The following is an entry in ClinVar:

ClinVar aggregate classification (germline): Benign (0 of 4 stars; one submission).

Conditions:
NCOR2-related disorder. Also called: NCOR2-related condition.

Allele frequency attached by ClinVar (database versions not stated): gnomAD exomes 0.00099; ExAC 0.00377; gnomAD 0.01049; TOPMed 0.01136; ESP Exome Variant Server 0.01203; 1000 Genomes Project 0.01218; 1000 Genomes Project 30x 0.01280.
gnomAD v4.1: 3,105 of 1,609,450 alleles (0.19%); highest among the groups gnomAD compares: African/African-American, 3.6%; 54 homozygotes.

Submission:

PreventionGenetics, part of Exact Sciences
Classification: Benign for NCOR2-related condition. Last evaluated: 2019-04-11. Review status: no assertion criteria provided. Collection method: clinical testing. Allele origin: germline.
Comment: This variant is classified as benign based on ACMG/AMP sequence variant interpretation guidelines (Richards et al. 2015 PMID: 25741868, with internal and published modifications).

NM_006312.6(NCOR2):c.6625A>C (p.Thr2209Pro)

Gene: NCOR2 (nuclear receptor corepressor 2; minus strand). Cytogenetic location: 12q24.31.
Variant type: single nucleotide variant.
Coding change: c.6625A>C on transcript NM_006312.6 (MANE Select); coding-DNA position 6625, A replaced by C.
Protein change: p.Thr2209Pro; replaces threonine 2209 with proline.
Molecular consequence: missense variant.
Genome position (GRCh38, 1-based): chr12:124,333,260, T>G on the plus strand (A>C on the coding strand, the complement: NCOR2 is on the minus strand). VCF-style: chr12-124333260-T-G. GRCh37 (hg19) VCF-style: chr12-124817806-T-G.
Other names: c.6595A>C, p.Thr2199Pro (NM_001077261.4, NM_001206654.2); short protein forms T2199P, T2209P.
Identifiers: ClinVar variation 3041995 (VCV003041995.2), dbSNP rs1472840, ClinGen allele CA6867422.
Genomic context (GRCh38, chr12:124,333,260, plus strand): 5'-TCATGCCCTCCGGTGGGGACACAGGTTCAATACCGTCCTCACCACCACCCAAGACCGACG[T>G]CTTGTTTGGCTCTGGAGACCTGGATGGAGAAAGGGCCCCAGATGTGGTCAGAGGTCTCCC-3'
Protein context (NP_006303.4, residues 2199-2219): GGKRSPEPNK[Thr2209Pro]SVLGGGEDGI